The following is an entry in ClinVar:

NM_001384732.1(CPLANE1):c.5314A>G (p.Ser1772Gly)

Gene: CPLANE1 (ciliogenesis and planar polarity effector complex subunit 1; minus strand). Cytogenetic location: 5p13.2.
Variant type: single nucleotide variant.
Coding change: c.5314A>G on transcript NM_001384732.1 (MANE Select); coding-DNA position 5314, A replaced by G.
Protein change: p.Ser1772Gly; replaces serine 1772 with glycine.
Molecular consequence: missense variant.
Genome position (GRCh38, 1-based): chr5:37,182,867, T>C on the plus strand (A>G on the coding strand, the complement: CPLANE1 is on the minus strand). VCF-style: chr5-37182867-T-C. GRCh37 (hg19) VCF-style: chr5-37182969-T-C.
Other names: c.5314A>G, p.Ser1772Gly (NM_023073.4); short protein forms S1772G.
Identifiers: ClinVar variation 158038 (VCV000158038.23), dbSNP rs79377186, ClinGen allele CA171441.

ClinVar aggregate classification (germline): Benign. Review status: criteria provided, multiple submitters, no conflicts (2 of 4 stars). 8 submissions from 8 submitters: Benign (7). 1 of the submissions does not count toward it. Last evaluated 2026-02-01.

Conditions:
Joubert syndrome 17 (JBTS17). Identifiers: Orphanet 475, MedGen C3553264, MONDO:0013824, OMIM 614615.

Allele frequency attached by ClinVar (database versions not stated): gnomAD exomes 0.00454 and 0.00697; ExAC 0.00795; gnomAD 0.01568 and 0.01627; TOPMed 0.01773; 1000 Genomes Project 0.01777; ESP Exome Variant Server 0.01853; 1000 Genomes Project 30x 0.02030.
gnomAD v4.1: 9,111 of 1,609,476 alleles (0.57%); highest among the groups gnomAD compares: African/African-American, 4.8%; 116 homozygotes.

Submissions (8):

Labcorp Genetics (formerly Invitae), Labcorp
Classification: Benign. Last evaluated: 2026-02-01. Review status: criteria provided, single submitter. Criteria: Invitae Variant Classification Sherloc (09022015). Collection method: clinical testing. Allele origin: germline.

Mayo Clinic Laboratories, Mayo Clinic
Classification: Benign. Last evaluated: 2024-06-14. Review status: criteria provided, single submitter. Criteria: ACMG Guidelines, 2015. Collection method: clinical testing. Allele origin: germline. Observed: 3 variant alleles.
Comment: BS1, BS2, BP4

Illumina Laboratory Services, Illumina
Classification: Benign for Joubert syndrome 17. Last evaluated: 2018-01-13. Review status: criteria provided, single submitter. Criteria: ICSL Variant Classification Criteria 13 December 2019. Collection method: clinical testing. Allele origin: germline.
Comment: This variant was observed in the ICSL laboratory as part of a predisposition screen in an ostensibly healthy population. It had not been previously curated by ICSL or reported in the Human Gene Mutation Database (HGMD: prior to June 1st, 2018), and was therefore a candidate for classification through an automated scoring system. Utilizing variant allele frequency, disease prevalence and penetrance estimates, and inheritance mode, an automated score was calculated to assess if this variant is too frequent to cause the disease. Based on the score and internal cut-off values, a variant classified as benign is not then subjected to further curation. The score for this variant resulted in a classification of benign for this disease.

Center for Pediatric Genomic Medicine, Children's Mercy Hospital and Clinics
Classification: Benign. Last evaluated: 2016-12-30. Review status: criteria provided, single submitter. Criteria: ACMG Guidelines, 2015. Collection method: clinical testing. Allele origin: germline.

GeneDx
Classification: Benign. Last evaluated: 2016-05-23. Review status: criteria provided, single submitter. Criteria: GeneDx Variant Classification (06012015). Collection method: clinical testing. Allele origin: germline. Affected: yes.
Comment: This variant is considered likely benign or benign based on one or more of the following criteria: it is a conservative change, it occurs at a poorly conserved position in the protein, it is predicted to be benign by multiple in silico algorithms, and/or has population frequency not consistent with disease.

Breakthrough Genomics
Classification: Benign. Review status: criteria provided, single submitter. Criteria: ACMG Guidelines, 2015. Collection method: not provided. Allele origin: germline. Inheritance: Autosomal recessive inheritance. Affected: yes.

PreventionGenetics, part of Exact Sciences
Classification: Benign. Review status: criteria provided, single submitter. Criteria: ACMG Guidelines, 2015. Collection method: clinical testing. Allele origin: germline.

Genetic Services Laboratory, University of Chicago
Classification: Likely benign. Review status: no assertion criteria provided. Collection method: clinical testing. Allele origin: germline. Inheritance: Autosomal recessive inheritance. Not counted in ClinVar's aggregate classification.
Comment: Likely benign based on allele frequency in 1000 Genomes Project or ESP global frequency and its presence in a patient with a rare or unrelated disease phenotype. NOT Sanger confirmed